The following is an entry in ClinVar:

NM_005219.5(DIAPH1):c.1759C>T (p.Pro587Ser)

Gene: DIAPH1 (diaphanous related formin 1; minus strand). Cytogenetic location: 5q31.3.
Variant type: single nucleotide variant.
Coding change: c.1759C>T on transcript NM_005219.5 (MANE Select); coding-DNA position 1759, C replaced by T.
Protein change: p.Pro587Ser; replaces proline 587 with serine.
Molecular consequence: missense variant.
Genome position (GRCh38, 1-based): chr5:141,574,091, G>A on the plus strand (C>T on the coding strand, the complement: DIAPH1 is on the minus strand). VCF-style: chr5-141574091-G-A. GRCh37 (hg19) VCF-style: chr5-140953658-G-A.
Other names: c.1732C>T, p.Pro578Ser (NM_001079812.3); c.1759C>T, p.Pro587Ser (NM_001314007.2); short protein forms P578S, P587S.
Identifiers: ClinVar variation 4784798 (VCV004784798.1).

ClinVar aggregate classification (germline): Uncertain significance (1 of 4 stars; one submission).

Conditions:
Progressive microcephaly-seizures-cortical blindness-developmental delay syndrome. Also called: Seizures, cortical blindness, and microcephaly syndrome. Identifiers: Orphanet 477814, MedGen C5567650, MONDO:0014714, OMIM 616632.
Autosomal dominant nonsyndromic hearing loss 1. Also called: DEAFNESS, AUTOSOMAL DOMINANT 1, WITH OR WITHOUT THROMBOCYTOPENIA; KONIGSMARK SYNDROME. Identifiers: Orphanet 90635, MedGen C1852282, MONDO:0007424, OMIM 124900.

Submission:

Labcorp Genetics (formerly Invitae), Labcorp
Classification: Uncertain significance for Progressive microcephaly-seizures-cortical blindness-developmental delay syndrome; Autosomal dominant nonsyndromic hearing loss 1. Last evaluated: 2025-04-22. Review status: criteria provided, single submitter. Criteria: Invitae Variant Classification Sherloc (09022015). Collection method: clinical testing. Allele origin: germline.
Comment: This sequence change replaces proline, which is neutral and non-polar, with serine, which is neutral and polar, at codon 587 of the DIAPH1 protein (p.Pro587Ser). This variant is not present in population databases (gnomAD no frequency). This variant has not been reported in the literature in individuals affected with DIAPH1-related conditions. An algorithm developed to predict the effect of missense changes on protein structure and function outputs the following: PolyPhen-2: "Not Available". The serine amino acid residue is found in multiple mammalian species, which suggests that this missense change does not adversely affect protein function. In summary, the available evidence is currently insufficient to determine the role of this variant in disease. Therefore, it has been classified as a Variant of Uncertain Significance.